The following is an entry in ClinVar:

NM_001164508.2(NEB):c.6248A>T (p.Asp2083Val)

Gene: NEB (nebulin; minus strand). Cytogenetic location: 2q23.3.
Variant type: single nucleotide variant.
Coding change: c.6248A>T on transcript NM_001164508.2 (MANE Select); coding-DNA position 6248, A replaced by T.
Protein change: p.Asp2083Val; replaces aspartic acid 2083 with valine.
Molecular consequence: missense variant.
Genome position (GRCh38, 1-based): chr2:151,656,400, T>A on the plus strand (A>T on the coding strand, the complement: NEB is on the minus strand). VCF-style: chr2-151656400-T-A. GRCh37 (hg19) VCF-style: chr2-152512914-T-A.
Other names: c.6248A>T, p.Asp2083Val (NM_001164507.2, NM_001271208.2, NM_004543.5); short protein forms D2083V.
Identifiers: ClinVar variation 1302259 (VCV001302259.2), dbSNP rs368626849, ClinGen allele CA348800239.
Genomic context (GRCh38, chr2:151,656,400, plus strand): 5'-TTGTACTCCCGATCAGATTGCATCTTAGCCACTTGCATGGAATGGACTAATTTGGGATCA[T>A]CCTCGAGACTGCGGAAACCAACCATTTTCCCCTTCCCTTTTTCATAATTGTACTTGTATT-3'
Protein context (NP_001157980.2, residues 2073-2093): GKMVGFRSLE[Asp2083Val]DPKLVHSMQV

ClinVar aggregate classification (germline): Uncertain significance (1 of 4 stars; one submission).

Submission:

GeneDx
Classification: Uncertain significance. Last evaluated: 2019-04-17. Review status: criteria provided, single submitter. Criteria: GeneDx Variant Classification Process June 2021. Collection method: clinical testing. Allele origin: germline. Affected: yes.
Comment: Not observed in large population cohorts (Lek et al., 2016); In silico analysis, which includes protein predictors and evolutionary conservation, supports a deleterious effect; Missense variant in a gene in which most reported pathogenic variants are truncating/loss-of-function; Has not been previously published as pathogenic or benign to our knowledge